The following is an entry in ClinVar:

NM_000642.3(AGL):c.1450_1456del (p.Leu484fs)

Gene: AGL (amylo-alpha-1,6-glucosidase and 4-alpha-glucanotransferase; plus strand). Cytogenetic location: 1p21.2.
Variant type: Deletion.
Coding change: c.1450_1456del on transcript NM_000642.3 (MANE Select); coding-DNA positions 1450 to 1456, 7 bases deleted (CTTATTT; older notation c.1450_1456delCTTATTT).
Protein change: p.Leu484fs; shifts the reading frame from leucine 484.
Molecular consequence: frameshift variant.
Genome position (GRCh38, 1-based): chr1:99,877,667-99,877,673, CTTATTT deleted. VCF-style (leftmost placement, unchanged base first): chr1-99877666-ACTTATTT-A. GRCh37 (hg19) VCF-style: chr1-100343222-ACTTATTT-A.
Other names: c.1450_1456del, p.Leu484fs (NM_000028.3, NM_000643.3, NM_000644.3 and 2 more transcripts); c.1402_1408del, p.Leu468fs (NM_000646.3); c.1249_1255del, p.Leu417fs (NM_001425327.1); c.1246_1252del, p.Leu416fs (NM_001425328.1, NM_001425329.1); c.1072_1078del, p.Leu358fs (NM_001425332.1); short protein forms L358fs, L416fs, L417fs, L468fs, L484fs.
Identifiers: ClinVar variation 5014462 (VCV005014462.1).

ClinVar aggregate classification (germline): Pathogenic (1 of 4 stars; one submission).

Conditions:
Glycogen storage disease type III (GSD3). Also called: FORBES DISEASE; Cori disease. Identifiers: Orphanet 366, MedGen C0017922, MONDO:0009291, OMIM 232400.

Submission:

Myriad Genetics, Inc.
Classification: Pathogenic for Glycogen storage disease type III. Last evaluated: 2025-05-17. Review status: criteria provided, single submitter. Criteria: Myriad Autosomal Dominant, Autosomal Recessive and X-Linked Classification Criteria (2023). Collection method: clinical testing. Allele origin: unknown.
Comment: NM_000642.2(AGL):c.1450_1456del7(L484Afs*24) is expected to be pathogenic in the context of glycogen storage disease type III. This variant is predicted to lead to an abnormal or absent protein product due to the creation of a premature termination codon in AGL, a gene where loss-of-function variants are known to be pathogenic. Please note: this variant was assessed in the context of healthy population screening.